The following is an entry in ClinVar:

ClinVar aggregate classification (germline): Likely benign (1 of 4 stars; one submission).

Conditions:
Familial cancer of breast. Also called: hereditary breast carcinoma; BREAST CANCER, FAMILIAL; Hereditary breast cancer. Identifiers: Orphanet 227535, MedGen C0346153, MONDO:0016419, OMIM 114480. Disease mechanism: loss of function.

Submission:

Myriad Genetics, Inc.
Classification: Likely benign for Familial cancer of breast. Last evaluated: 2024-06-07. Review status: criteria provided, single submitter. Criteria: Myriad Autosomal Dominant, Autosomal Recessive and X-Linked Classification Criteria (2023). Collection method: clinical testing. Allele origin: unknown.
Comment: This variant is considered likely benign. This variant is intronic and is not expected to impact mRNA splicing.

NM_000051.4(ATM):c.6573-20C>T

Genes: ATM (ATM serine/threonine kinase; plus strand), C11orf65 (chromosome 11 open reading frame 65; minus strand). Cytogenetic location: 11q22.3.
Variant type: single nucleotide variant.
Coding change: c.6573-20C>T on transcript NM_000051.4 (MANE Select); 20 bases into the intron before coding-DNA position 6573, C replaced by T.
Molecular consequence: intron variant.
Genome position (GRCh38, 1-based): chr11:108,325,290, C>T. VCF-style: chr11-108325290-C-T. GRCh37 (hg19) VCF-style: chr11-108196017-C-T.
Other names: c.6573-20C>T (NM_001351834.2); c.641-16219G>A (NM_001330368.2); c.*38+9930G>A (NM_001351110.2).
Identifiers: ClinVar variation 3253879 (VCV003253879.1), dbSNP rs2136305345.